The following is an entry in ClinVar:

ClinVar aggregate classification (germline): Uncertain significance. Review status: criteria provided, multiple submitters, no conflicts (2 of 4 stars). 2 submissions from 2 submitters: Uncertain significance (2). Last evaluated 2024-12-26.

Conditions:
Inborn genetic diseases. Identifiers: MedGen C0950123, MeSH D030342.

Allele frequency attached by ClinVar (database versions not stated): gnomAD exomes 0.00001; ExAC 0.00003; gnomAD 0.00011; TOPMed 0.00012.
gnomAD v4.1: 30 of 1,613,284 alleles (0.0019%); highest among the groups gnomAD compares: African/African-American, 0.039%; no homozygotes.

Submissions (2):

Labcorp Genetics (formerly Invitae), Labcorp
Classification: Uncertain significance. Last evaluated: 2024-12-26. Review status: criteria provided, single submitter. Criteria: Invitae Variant Classification Sherloc (09022015). Collection method: clinical testing. Allele origin: germline.
Comment: This sequence change replaces asparagine, which is neutral and polar, with serine, which is neutral and polar, at codon 264 of the PDE4D protein (p.Asn264Ser). This variant is present in population databases (rs372039525, gnomAD 0.03%). This variant has not been reported in the literature in individuals affected with PDE4D-related conditions. ClinVar contains an entry for this variant (Variation ID: 3016372). Invitae Evidence Modeling of protein sequence and biophysical properties (such as structural, functional, and spatial information, amino acid conservation, physicochemical variation, residue mobility, and thermodynamic stability) indicates that this missense variant is not expected to disrupt PDE4D protein function with a negative predictive value of 80%. In summary, the available evidence is currently insufficient to determine the role of this variant in disease. Therefore, it has been classified as a Variant of Uncertain Significance.

Ambry Genetics
Classification: Uncertain significance for Inborn genetic diseases. Last evaluated: 2024-12-21. Review status: criteria provided, single submitter. Criteria: Ambry Variant Classification Scheme 2023. Collection method: clinical testing. Allele origin: germline.

NM_001104631.2(PDE4D):c.791A>G (p.Asn264Ser)

Gene: PDE4D (phosphodiesterase 4D; minus strand). Cytogenetic location: 5q11.2.
Variant type: single nucleotide variant.
Coding change: c.791A>G on transcript NM_001104631.2 (MANE Select); coding-DNA position 791, A replaced by G.
Protein change: p.Asn264Ser; replaces asparagine 264 with serine.
Molecular consequence: missense variant. On other transcripts: 5 prime UTR variant (1).
Genome position (GRCh38, 1-based): chr5:59,180,612, T>C on the plus strand (A>G on the coding strand, the complement: PDE4D is on the minus strand). VCF-style: chr5-59180612-T-C. GRCh37 (hg19) VCF-style: chr5-58476438-T-C.
Other names: c.608A>G, p.Asn203Ser (NM_001165899.2, NM_001364599.1, NM_001364600.2); c.599A>G, p.Asn200Ser (NM_001197218.2, NM_001364602.2); c.425A>G, p.Asn142Ser (NM_001197219.2); c.401A>G, p.Asn134Ser (NM_001197220.2); c.578A>G, p.Asn193Ser (NM_001349241.2); c.461A>G, p.Asn154Ser (NM_001349242.2); c.23A>G, p.Asn8Ser (NM_001349243.2, NM_001364604.1); c.-160A>G (NM_001364603.1); and 2 more; short protein forms N142S, N154S, N8S, N128S, N193S, N200S, N264S, N134S.
Identifiers: ClinVar variation 3016372 (VCV003016372.4), dbSNP rs372039525, ClinGen allele CA3276322.
Genomic context (GRCh38, chr5:59,180,612, plus strand): 5'-TTCTTCCTAGACACATGAAGAATAAGCTCCAGATCTTTCTTACCTGTTATGGTGGCTTTG[T>C]TGATGGATGGTTGGTTGCACATGGGTGATCTTCTGACAAAGACAGAAAAACACAAAGCAG-3'
Protein context (NP_001098101.1, residues 254-274): RSPMCNQPSI[Asn264Ser]KATITEEAYQ